The following is an entry in ClinVar:

ClinVar aggregate classification (germline): Uncertain significance (1 of 4 stars; one submission).

gnomAD v4.1: 1 of 1,613,370 alleles (0.000062%); highest among the groups gnomAD compares: South Asian, 0.0011%; no homozygotes.

Submission:

CeGaT Center for Human Genetics Tuebingen
Classification: Uncertain significance. Last evaluated: 2026-05-01. Review status: criteria provided, single submitter. Criteria: CeGaT Center For Human Genetics Tuebingen Variant Classification Criteria Version 2. Collection method: clinical testing. Allele origin: germline. Affected: yes. Observed: 1 variant allele.
Comment: ATP11A: PM2

NM_015205.3(ATP11A):c.313A>G (p.Thr105Ala)

Gene: ATP11A (ATPase phospholipid transporting 11A; plus strand). Cytogenetic location: 13q34.
Variant type: single nucleotide variant.
Coding change: c.313A>G on transcript NM_015205.3 (MANE Select); coding-DNA position 313, A replaced by G.
Protein change: p.Thr105Ala; replaces threonine 105 with alanine.
Molecular consequence: missense variant.
Genome position (GRCh38, 1-based): chr13:112,806,273, A>G. VCF-style: chr13-112806273-A-G. GRCh37 (hg19) VCF-style: chr13-113460587-A-G.
Other names: c.313A>G, p.Thr105Ala (NM_001405661.1, NM_001405662.1, NM_001405663.1 and 1 more transcripts); short protein forms T105A.
Identifiers: ClinVar variation 4875032 (VCV004875032.2).
Genomic context (GRCh38, chr13:112,806,273, plus strand): 5'-TTGATTATTGATACACCCACAAGTCCAGTGACAAGCGGACTTCCACTCTTCTTTGTCATT[A>G]CTGTGACGGCTATCAAACAGGTAAGCATTTTACAGACGAAAAAGAAGCAATCGTCATCTT-3'
Protein context (NP_056020.2, residues 95-115): TSGLPLFFVI[Thr105Ala]VTAIKQGYED